The following is an entry in ClinVar:

NM_001195263.2(PDZD7):c.959C>T (p.Pro320Leu)

Gene: PDZD7 (PDZ domain containing 7; minus strand). Cytogenetic location: 10q24.31.
Variant type: single nucleotide variant.
Coding change: c.959C>T on transcript NM_001195263.2 (MANE Select); coding-DNA position 959, C replaced by T.
Protein change: p.Pro320Leu; replaces proline 320 with leucine.
Molecular consequence: missense variant.
Genome position (GRCh38, 1-based): chr10:101,019,187, G>A on the plus strand (C>T on the coding strand, the complement: PDZD7 is on the minus strand). VCF-style: chr10-101019187-G-A. GRCh37 (hg19) VCF-style: chr10-102778944-G-A.
Other names: c.959C>T, p.Pro320Leu (NM_001351044.2, NM_024895.5); short protein forms P320L.
Identifiers: ClinVar variation 1496926 (VCV001496926.4), dbSNP rs749847307, ClinGen allele CA5654190.

ClinVar aggregate classification (germline): Uncertain significance (1 of 4 stars; one submission).

Allele frequency attached by ClinVar (database versions not stated): gnomAD exomes 0.00001.
gnomAD v4.1: 9 of 1,536,188 alleles (0.00059%); highest among the groups gnomAD compares: South Asian, 0.0048%; no homozygotes.

Submission:

Labcorp Genetics (formerly Invitae), Labcorp
Classification: Uncertain significance. Last evaluated: 2024-01-24. Review status: criteria provided, single submitter. Criteria: Invitae Variant Classification Sherloc (09022015). Collection method: clinical testing. Allele origin: germline.
Comment: This sequence change replaces proline, which is neutral and non-polar, with leucine, which is neutral and non-polar, at codon 320 of the PDZD7 protein (p.Pro320Leu). This variant is present in population databases (rs749847307, gnomAD 0.009%). This variant has not been reported in the literature in individuals affected with PDZD7-related conditions. ClinVar contains an entry for this variant (Variation ID: 1496926). Advanced modeling of protein sequence and biophysical properties (such as structural, functional, and spatial information, amino acid conservation, physicochemical variation, residue mobility, and thermodynamic stability) performed at Invitae indicates that this missense variant is not expected to disrupt PDZD7 protein function with a negative predictive value of 80%. In summary, the available evidence is currently insufficient to determine the role of this variant in disease. Therefore, it has been classified as a Variant of Uncertain Significance.